The following is an entry in ClinVar:

ClinVar aggregate classification (germline): Likely benign. Review status: criteria provided, multiple submitters, no conflicts (2 of 4 stars). 3 submissions from 3 submitters: Likely benign (2). 1 of the submissions does not count toward it. Last evaluated 2025-12-09.

Conditions:
COPA-related disorder. Also called: COPA-related condition.
Autoimmune interstitial lung disease-arthritis syndrome. Also called: Autoinflammation and autoimmunity, systemic, with immune dysregulation. Identifiers: Orphanet 444092, MedGen C5975714, MONDO:0014629.

Allele frequency attached by ClinVar (database versions not stated): gnomAD exomes 0.00008 and 0.00022; 1000 Genomes Project 0.00020; ExAC 0.00026; 1000 Genomes Project 30x 0.00031; gnomAD 0.00082 and 0.00090; TOPMed 0.00087; ESP Exome Variant Server 0.00092.
gnomAD v4.1: 243 of 1,614,060 alleles (0.015%); highest among the groups gnomAD compares: African/African-American, 0.29%; 1 homozygote.

Submissions (3):

Labcorp Genetics (formerly Invitae), Labcorp
Classification: Likely benign for Autoimmune interstitial lung disease-arthritis syndrome. Last evaluated: 2025-12-09. Review status: criteria provided, single submitter. Criteria: Invitae Variant Classification Sherloc (09022015). Collection method: clinical testing. Allele origin: germline.

Blueprint Genetics
Classification: Likely benign. Last evaluated: 2024-10-22. Review status: criteria provided, single submitter. Criteria: ACMG Guidelines, 2015. Collection method: clinical testing. Allele origin: germline.

PreventionGenetics, part of Exact Sciences
Classification: Likely benign for COPA-related condition. Last evaluated: 2020-03-16. Review status: no assertion criteria provided. Collection method: clinical testing. Allele origin: germline. Not counted in ClinVar's aggregate classification.
Comment: This variant is classified as likely benign based on ACMG/AMP sequence variant interpretation guidelines (Richards et al. 2015 PMID: 25741868, with internal and published modifications).

NM_004371.4(COPA):c.2483G>A (p.Gly828Glu)

Gene: COPA (coat protein complex I subunit alpha; minus strand). Cytogenetic location: 1q23.2.
Variant type: single nucleotide variant.
Coding change: c.2483G>A on transcript NM_004371.4 (MANE Select); coding-DNA position 2483, G replaced by A.
Protein change: p.Gly828Glu; replaces glycine 828 with glutamic acid.
Molecular consequence: missense variant.
Genome position (GRCh38, 1-based): chr1:160,294,851, C>T on the plus strand (G>A on the coding strand, the complement: COPA is on the minus strand). VCF-style: chr1-160294851-C-T. GRCh37 (hg19) VCF-style: chr1-160264641-C-T.
Other names: c.2510G>A, p.Gly837Glu (NM_001098398.2); short protein forms G837E, G828E.
Identifiers: ClinVar variation 719756 (VCV000719756.14), dbSNP rs144241395, ClinGen allele CA1197870.